The following is an entry in ClinVar:

NM_001271.4(CHD2):c.63-214T>C

Gene: CHD2 (chromodomain helicase DNA binding protein 2; plus strand). Cytogenetic location: 15q26.1.
Variant type: single nucleotide variant.
Coding change: c.63-214T>C on transcript NM_001271.4 (MANE Select); 214 bases into the intron before coding-DNA position 63, T replaced by C.
Molecular consequence: intron variant.
Genome position (GRCh38, 1-based): chr15:92,924,107, T>C. VCF-style: chr15-92924107-T-C. GRCh37 (hg19) VCF-style: chr15-93467337-T-C.
Other names: c.63-214T>C (NM_001042572.3).
Identifiers: ClinVar variation 677580 (VCV000677580.1), dbSNP rs77734149, ClinGen allele CA274852289.

ClinVar aggregate classification (germline): Likely benign (1 of 4 stars; one submission).

Allele frequency attached by ClinVar (database versions not stated): gnomAD 0.00539 and 0.00580; TOPMed 0.00614; 1000 Genomes Project 30x 0.00671; 1000 Genomes Project 0.00699.
gnomAD v4.1: 811 of 152,314 alleles (0.53%); highest among the groups gnomAD compares: African/African-American, 1.9%; 8 homozygotes.

Submission:

GeneDx
Classification: Likely benign. Last evaluated: 2018-06-14. Review status: criteria provided, single submitter. Criteria: GeneDx Variant Classification (06012015). Collection method: clinical testing. Allele origin: germline. Affected: yes.
Comment: This variant is considered likely benign or benign based on one or more of the following criteria: it is a conservative change, it occurs at a poorly conserved position in the protein, it is predicted to be benign by multiple in silico algorithms, and/or has population frequency not consistent with disease.